The following is an entry in ClinVar:

ClinVar aggregate classification (germline): Pathogenic (1 of 4 stars; one submission).

Submission:

Labcorp Genetics (formerly Invitae), Labcorp
Classification: Pathogenic. Last evaluated: 2023-01-21. Review status: criteria provided, single submitter. Criteria: Invitae Variant Classification Sherloc (09022015). Collection method: clinical testing. Allele origin: germline.
Comment: For these reasons, this variant has been classified as Pathogenic. This variant has not been reported in the literature in individuals affected with DUOX2-related conditions. This variant is not present in population databases (gnomAD no frequency). This sequence change creates a premature translational stop signal (p.Met907Valfs*25) in the DUOX2 gene. It is expected to result in an absent or disrupted protein product. Loss-of-function variants in DUOX2 are known to be pathogenic (PMID: 12110737, 18765513, 21565790, 24423310, 24735383).

Literature cited by the submitters: PubMed 12110737; PubMed 18765513; PubMed 21565790; PubMed 24423310; PubMed 24735383.

NM_001363711.2(DUOX2):c.2719_2720del (p.Met907fs)

Gene: DUOX2 (dual oxidase 2; minus strand). Cytogenetic location: 15q21.1.
Variant type: Deletion.
Coding change: c.2719_2720del on transcript NM_001363711.2 (MANE Select); coding-DNA positions 2719 to 2720, 2 bases deleted (AT; older notation c.2719_2720delAT).
Protein change: p.Met907fs; shifts the reading frame from methionine 907.
Molecular consequence: frameshift variant.
Genome position (GRCh38, 1-based): chr15:45,101,924-45,101,925, AT deleted on the plus strand (AT on the coding strand, the reverse complement: DUOX2 is on the minus strand); deleting any 2 consecutive bases within chr15:45,101,924-45,101,926 gives the same sequence; the c. name uses the placement nearest the transcript's 3' end. VCF-style (leftmost placement, unchanged base first): chr15-45101923-CAT-C. GRCh37 (hg19) VCF-style: chr15-45394121-CAT-C.
Other names: c.2719_2720del, p.Met907fs (NM_014080.5); short protein forms M907fs.
Identifiers: ClinVar variation 2828431 (VCV002828431.3), dbSNP rs1894093770, ClinGen allele CA2173938328.
Genomic context (GRCh38, chr15:45,101,923, plus strand): 5'-CATGAAGTGAAAATCCTCCCATGTCAGCTCCTCCTTGTCCTGGAATCCCGACTCCCGGAA[CAT>C]AGACTCCACCACCTCGGCCAGCTGGGCCTTGGACAGGCAGTTGTTGGAGATCTCGATGAA-3'